The following is an entry in ClinVar:

ClinVar aggregate classification (germline): Uncertain significance. Review status: criteria provided, multiple submitters, no conflicts (2 of 4 stars). 2 submissions from 2 submitters: Uncertain significance (2). Last evaluated 2024-06-06.

Conditions:
Hereditary cancer-predisposing syndrome. Also called: Tumor predisposition; Hereditary Cancer Syndrome; Hereditary neoplastic syndrome; Neoplastic Syndromes, Hereditary. Identifiers: Orphanet 140162, MedGen C0027672, MeSH D009386, MONDO:0015356.

Submissions (2):

Ambry Genetics
Classification: Uncertain significance for Hereditary cancer-predisposing syndrome. Last evaluated: 2024-06-06. Review status: criteria provided, single submitter. Criteria: Ambry Variant Classification Scheme 2023. Collection method: clinical testing. Allele origin: germline.
Comment: The p.E924D variant (also known as c.2772A>C), located in coding exon 18 of the BRIP1 gene, results from an A to C substitution at nucleotide position 2772. The glutamic acid at codon 924 is replaced by aspartic acid, an amino acid with highly similar properties. This amino acid position is conserved. In addition, this alteration is predicted to be tolerated by in silico analysis. Based on the available evidence, the clinical significance of this variant remains unclear.

GeneDx
Classification: Uncertain significance. Last evaluated: 2014-05-21. Review status: criteria provided, single submitter. Criteria: GeneDx Variant Classification (06012015). Collection method: clinical testing. Allele origin: germline. Affected: yes.
Comment: This variant is denoted BRIP1 c.2772A>C at the cDNA level, p.Glu924Asp (E924D) at the protein level, and results in the change of a Glutamic Acid to an Aspartic Acid (GAA>GAC). This variant has not, to our knowledge, been published in the literature as pathogenic or benign. BRIP1 Glu924Asp was not observed in approximately 6,500 individuals of European and African American ancestry in the NHLBI Exome Sequencing Project, indicating it is not a common benign variant in these populations. Since Glutamic Acid and Aspartic Acid share similar properties, this is considered a conservative amino acid substitution. BRIP1 Glu924Asp occurs at a position that is well conserved across species and is located in the region of interaction with BRCA1 (Uniprot). In addition, in silico analyses predict that this variant is unlikely to alter protein structure or function. Based on currently available information, it is unclear whether BRIP1 Glu924Asp is pathogenic or benign. We consider it to be a variant of uncertain significance.

NM_032043.3(BRIP1):c.2772A>C (p.Glu924Asp)

Gene: BRIP1 (BRCA1 interacting DNA helicase 1; minus strand). Cytogenetic location: 17q23.2.
Variant type: single nucleotide variant.
Coding change: c.2772A>C on transcript NM_032043.3 (MANE Select); coding-DNA position 2772, A replaced by C.
Protein change: p.Glu924Asp; replaces glutamic acid 924 with aspartic acid.
Molecular consequence: missense variant.
Genome position (GRCh38, 1-based): chr17:61,685,969, T>G on the plus strand (A>C on the coding strand, the complement: BRIP1 is on the minus strand). VCF-style: chr17-61685969-T-G. GRCh37 (hg19) VCF-style: chr17-59763330-T-G.
Other names: p.E924D:GAA>GAC; short protein forms E924D.
Identifiers: ClinVar variation 182334 (VCV000182334.3), dbSNP rs730881625, ClinGen allele CA298838.